The following is an entry in ClinVar:

ClinVar aggregate classification (germline): Likely benign (1 of 4 stars; one submission).

Submission:

CeGaT Center for Human Genetics Tuebingen
Classification: Likely benign. Last evaluated: 2022-10-01. Review status: criteria provided, single submitter. Criteria: CeGaT Center For Human Genetics Tuebingen Variant Classification Criteria Version 2. Collection method: clinical testing. Allele origin: germline. Affected: yes. Observed: 1 variant allele.
Comment: FSIP2: PM2:Supporting, BP4, BP7

NM_173651.4(FSIP2):c.14043G>A (p.Glu4681=)

Gene: FSIP2 (fibrous sheath interacting protein 2; plus strand). Cytogenetic location: 2q32.1.
Variant type: single nucleotide variant.
Coding change: c.14043G>A on transcript NM_173651.4 (MANE Select); coding-DNA position 14043, G replaced by A.
Protein change: p.Glu4681=; no amino-acid change (glutamic acid 4681 retained).
Molecular consequence: synonymous variant.
Genome position (GRCh38, 1-based): chr2:185,803,349, G>A. VCF-style: chr2-185803349-G-A. GRCh37 (hg19) VCF-style: chr2-186668076-G-A.
Identifiers: ClinVar variation 2651751 (VCV002651751.24), dbSNP rs2468777029, ClinGen allele CA430516098.